The following is an entry in ClinVar:

NM_003737.4(DCHS1):c.2700G>A (p.Thr900=)

Gene: DCHS1 (dachsous cadherin-related 1; minus strand). Cytogenetic location: 11p15.4.
Variant type: single nucleotide variant.
Coding change: c.2700G>A on transcript NM_003737.4 (MANE Select); coding-DNA position 2700, G replaced by A.
Protein change: p.Thr900=; no amino-acid change (threonine 900 retained).
Molecular consequence: synonymous variant.
Genome position (GRCh38, 1-based): chr11:6,632,812, C>T on the plus strand (G>A on the coding strand, the complement: DCHS1 is on the minus strand). VCF-style: chr11-6632812-C-T. GRCh37 (hg19) VCF-style: chr11-6654043-C-T.
Identifiers: ClinVar variation 734762 (VCV000734762.34), dbSNP rs141520138, ClinGen allele CA5860674.

ClinVar aggregate classification (germline): Benign/Likely benign. Review status: criteria provided, multiple submitters, no conflicts (2 of 4 stars). 4 submissions from 4 submitters: Benign (1); Likely benign (2). 1 of the submissions does not count toward it. Last evaluated 2026-03-01.

Conditions:
DCHS1-related disorder. Also called: DCHS1-related condition.

Allele frequency attached by ClinVar (database versions not stated): 1000 Genomes Project 30x 0.00016; 1000 Genomes Project 0.00020; TOPMed 0.00021; ESP Exome Variant Server 0.00062; ExAC 0.00125; gnomAD exomes 0.00150; gnomAD 0.00172.
gnomAD v4.1: 1,458 of 1,613,942 alleles (0.09%); highest among the groups gnomAD compares: Non-Finnish European, 0.063%; 6 homozygotes.

Submissions (4):

CeGaT Center for Human Genetics Tuebingen
Classification: Likely benign. Last evaluated: 2026-03-01. Review status: criteria provided, single submitter. Criteria: CeGaT Center For Human Genetics Tuebingen Variant Classification Criteria Version 2. Collection method: clinical testing. Allele origin: germline. Affected: yes. Observed: 7 variant alleles.
Comment: DCHS1: BP4, BP7

Labcorp Genetics (formerly Invitae), Labcorp
Classification: Benign. Last evaluated: 2026-01-27. Review status: criteria provided, single submitter. Criteria: Invitae Variant Classification Sherloc (09022015). Collection method: clinical testing. Allele origin: germline.

Blueprint Genetics
Classification: Likely benign. Last evaluated: 2024-09-10. Review status: criteria provided, single submitter. Criteria: ACMG Guidelines, 2015. Collection method: clinical testing. Allele origin: germline.

PreventionGenetics, part of Exact Sciences
Classification: Likely benign for DCHS1-related condition. Last evaluated: 2024-09-13. Review status: no assertion criteria provided. Collection method: clinical testing. Allele origin: germline. Not counted in ClinVar's aggregate classification.
Comment: This variant is classified as likely benign based on ACMG/AMP sequence variant interpretation guidelines (Richards et al. 2015 PMID: 25741868, with internal and published modifications).